The following is an entry in ClinVar:

NM_198578.4(LRRK2):c.6157C>G (p.Gln2053Glu)

Gene: LRRK2 (leucine rich repeat kinase 2; plus strand). Cytogenetic location: 12q12.
Variant type: single nucleotide variant.
Coding change: c.6157C>G on transcript NM_198578.4 (MANE Select); coding-DNA position 6157, C replaced by G.
Protein change: p.Gln2053Glu; replaces glutamine 2053 with glutamic acid.
Molecular consequence: missense variant.
Genome position (GRCh38, 1-based): chr12:40,346,800, C>G. VCF-style: chr12-40346800-C-G. GRCh37 (hg19) VCF-style: chr12-40740602-C-G.
Other names: short protein forms Q2053E.
Identifiers: ClinVar variation 1751913 (VCV001751913.3), dbSNP rs2499966827, ClinGen allele CA384405434.

ClinVar aggregate classification (germline): Uncertain significance (1 of 4 stars; one submission).

Conditions:
Inborn genetic diseases. Identifiers: MedGen C0950123, MeSH D030342.

Allele frequency attached by ClinVar (database versions not stated): gnomAD exomes 0.00001.
gnomAD v4.1: 6 of 1,613,966 alleles (0.00037%); highest among the groups gnomAD compares: Non-Finnish European, 0.00051%; no homozygotes.

Submission:

Ambry Genetics
Classification: Uncertain significance for Inborn genetic diseases. Last evaluated: 2024-04-11. Review status: criteria provided, single submitter. Criteria: Ambry Variant Classification Scheme 2023. Collection method: clinical testing. Allele origin: germline.
Comment: The p.Q2053E variant (also known as c.6157C>G), located in coding exon 42 of the LRRK2 gene, results from a C to G substitution at nucleotide position 6157. The glutamine at codon 2053 is replaced by glutamic acid, an amino acid with highly similar properties. This amino acid position is conserved. In addition, this alteration is predicted to be deleterious by in silico analysis. Since supporting evidence is limited at this time, the clinical significance of this alteration remains unclear.